The following is an entry in ClinVar:

ClinVar aggregate classification (germline): Pathogenic (1 of 4 stars; one submission).

Allele frequency attached by ClinVar (database versions not stated): ExAC 0.00001; gnomAD 0.00001; gnomAD exomes 0.00001; TOPMed 0.00003; 1000 Genomes Project 30x 0.00016; 1000 Genomes Project 0.00020.
gnomAD v4.1: 18 of 1,614,044 alleles (0.0011%); highest among the groups gnomAD compares: Non-Finnish European, 0.0014%; no homozygotes.

Submission:

Labcorp Genetics (formerly Invitae), Labcorp
Classification: Pathogenic. Last evaluated: 2023-10-22. Review status: criteria provided, single submitter. Criteria: Invitae Variant Classification Sherloc (09022015). Collection method: clinical testing. Allele origin: germline.
Comment: This sequence change creates a premature translational stop signal (p.Arg1221*) in the ERCC6 gene. It is expected to result in an absent or disrupted protein product. Loss-of-function variants in ERCC6 are known to be pathogenic (PMID: 18628313, 29572252). This variant is present in population databases (rs529174213, gnomAD 0.003%). This premature translational stop signal has been observed in individual(s) with Cockayne syndrome (PMID: 29572252). ClinVar contains an entry for this variant (Variation ID: 957191). For these reasons, this variant has been classified as Pathogenic.

Literature cited by the submitters: PubMed 18628313; PubMed 29572252.

NM_000124.4(ERCC6):c.3661C>T (p.Arg1221Ter)

Gene: ERCC6 (ERCC excision repair 6, chromatin remodeling factor; minus strand). Cytogenetic location: 10q11.23.
Variant type: single nucleotide variant.
Coding change: c.3661C>T on transcript NM_000124.4 (MANE Select); coding-DNA position 3661, C replaced by T.
Protein change: p.Arg1221Ter; replaces arginine 1221 with a stop codon.
Molecular consequence: nonsense.
Genome position (GRCh38, 1-based): chr10:49,470,299, G>A on the plus strand (C>T on the coding strand, the complement: ERCC6 is on the minus strand). VCF-style: chr10-49470299-G-A. GRCh37 (hg19) VCF-style: chr10-50678345-G-A.
Other names: c.3661C>T, p.Arg1221Ter (NM_001346440.2); short protein forms R1221*.
Identifiers: ClinVar variation 957191 (VCV000957191.10), dbSNP rs529174213, ClinGen allele CA5495304.